The following is an entry in ClinVar:

ClinVar aggregate classification (germline): Uncertain significance (1 of 4 stars; one submission).

Allele frequency attached by ClinVar (database versions not stated): gnomAD 0.00001; gnomAD exomes 0.00001 and 0.00008; TOPMed 0.00004; ExAC 0.00007.
gnomAD v4.1: 23 of 1,613,338 alleles (0.0014%); highest among the groups gnomAD compares: Admixed American, 0.035%; no homozygotes.

Submission:

Labcorp Genetics (formerly Invitae), Labcorp
Classification: Uncertain significance. Last evaluated: 2022-08-14. Review status: criteria provided, single submitter. Criteria: Invitae Variant Classification Sherloc (09022015). Collection method: clinical testing. Allele origin: germline.
Comment: This sequence change replaces threonine, which is neutral and polar, with alanine, which is neutral and non-polar, at codon 226 of the MAP3K20 protein (p.Thr226Ala). This variant is present in population databases (rs749173713, gnomAD 0.05%). This variant has not been reported in the literature in individuals affected with MAP3K20-related conditions. ClinVar contains an entry for this variant (Variation ID: 1368385). Experimental studies and prediction algorithms are not available or were not evaluated, and the functional significance of this variant is currently unknown. In summary, the available evidence is currently insufficient to determine the role of this variant in disease. Therefore, it has been classified as a Variant of Uncertain Significance.

NM_016653.3(MAP3K20):c.676A>G (p.Thr226Ala)

Genes: MAP3K20 (mitogen-activated protein kinase kinase kinase 20; plus strand), MAP3K20-AS1 (MAP3K20 antisense RNA 1; minus strand). Cytogenetic location: 2q31.1.
Variant type: single nucleotide variant.
Coding change: c.676A>G on transcript NM_016653.3 (MANE Select); coding-DNA position 676, A replaced by G.
Protein change: p.Thr226Ala; replaces threonine 226 with alanine.
Molecular consequence: missense variant.
Genome position (GRCh38, 1-based): chr2:173,203,802, A>G. VCF-style: chr2-173203802-A-G. GRCh37 (hg19) VCF-style: chr2-174068530-A-G.
Other names: c.676A>G, p.Thr226Ala (NM_133646.3); short protein forms T226A.
Identifiers: ClinVar variation 1368385 (VCV001368385.3), dbSNP rs749173713, ClinGen allele CA1970486.